The following is an entry in ClinVar:

ClinVar aggregate classification (germline): Likely benign (1 of 4 stars; one submission).

Submission:

CeGaT Center for Human Genetics Tuebingen
Classification: Likely benign. Last evaluated: 2023-02-01. Review status: criteria provided, single submitter. Criteria: CeGaT Center For Human Genetics Tuebingen Variant Classification Criteria Version 2. Collection method: clinical testing. Allele origin: germline. Affected: yes. Observed: 1 variant allele.
Comment: CTBP1: PM2:Supporting, BP4, BP7

NM_001012614.2(CTBP1):c.162+138G>C

Gene: CTBP1 (C-terminal binding protein 1; minus strand). Cytogenetic location: 4p16.3.
Variant type: single nucleotide variant.
Coding change: c.162+138G>C on transcript NM_001012614.2 (MANE Select); 138 bases into the intron after coding-DNA position 162, G replaced by C.
Molecular consequence: intron variant.
Genome position (GRCh38, 1-based): chr4:1,238,045, C>G on the plus strand (G>C on the coding strand, the complement: CTBP1 is on the minus strand). VCF-style: chr4-1238045-C-G. GRCh37 (hg19) VCF-style: chr4-1231833-C-G.
Other names: c.162+138G>C (NM_001377192.1, NM_001377189.1, NM_001377193.1 and 4 more transcripts); c.195+138G>C (NM_001328.3, NM_001377186.1).
Identifiers: ClinVar variation 2654556 (VCV002654556.24), dbSNP rs755451087, ClinGen allele CA2695199353.